The following is an entry in ClinVar:

ClinVar aggregate classification (germline): Uncertain significance (1 of 4 stars; one submission).

Conditions:
Charcot-Marie-Tooth disease type 2. Also called: Charcot-Marie-Tooth type 2. Identifiers: Orphanet 64746, MedGen C0270914, MONDO:0018993.

Submission:

Labcorp Genetics (formerly Invitae), Labcorp
Classification: Uncertain significance for Charcot-Marie-Tooth disease type 2. Last evaluated: 2019-08-22. Review status: criteria provided, single submitter. Criteria: Invitae Variant Classification Sherloc (09022015). Collection method: clinical testing. Allele origin: germline.
Comment: This variant has not been reported in the literature in individuals with LMNA-related conditions. This variant is not present in population databases (ExAC no frequency). This sequence change replaces lysine with glutamine at codon 122 of the LMNA protein (p.Lys122Gln). The lysine residue is highly conserved and there is a small physicochemical difference between lysine and glutamine. In summary, the available evidence is currently insufficient to determine the role of this variant in disease. Therefore, it has been classified as a Variant of Uncertain Significance. Algorithms developed to predict the effect of missense changes on protein structure and function (SIFT, PolyPhen-2, Align-GVGD) all suggest that this variant is likely to be disruptive, but these predictions have not been confirmed by published functional studies and their clinical significance is uncertain.

NM_170707.4(LMNA):c.364A>C (p.Lys122Gln)

Genes: LMNA (lamin A/C; plus strand), LOC126805877 (MED14-independent group 3 enhancer GRCh37_chr1:156099693-156100892; plus strand). Cytogenetic location: 1q22.
Variant type: single nucleotide variant.
Coding change: c.364A>C on transcript NM_170707.4 (MANE Select); coding-DNA position 364, A replaced by C.
Protein change: p.Lys122Gln; replaces lysine 122 with glutamine.
Molecular consequence: missense variant.
Genome position (GRCh38, 1-based): chr1:156,130,624, A>C. VCF-style: chr1-156130624-A-C. GRCh37 (hg19) VCF-style: chr1-156100415-A-C.
Other names: c.28A>C, p.Lys10Gln (NM_001257374.3); c.121A>C, p.Lys41Gln (NM_001282624.2); c.364A>C, p.Lys122Gln (NM_001282625.2, NM_001282626.2, NM_005572.4 and 1 more transcripts); short protein forms K122Q, K10Q, K41Q.
Identifiers: ClinVar variation 962315 (VCV000962315.10), dbSNP rs1222398892, ClinGen allele CA342814997.